The following is an entry in ClinVar:

NM_021075.4(NDUFV3):c.77G>A (p.Arg26Gln)

Gene: NDUFV3 (NADH:ubiquinone oxidoreductase subunit V3; plus strand). Cytogenetic location: 21q22.3.
Variant type: single nucleotide variant.
Coding change: c.77G>A on transcript NM_021075.4 (MANE Select); coding-DNA position 77, G replaced by A.
Protein change: p.Arg26Gln; replaces arginine 26 with glutamine.
Molecular consequence: missense variant.
Genome position (GRCh38, 1-based): chr21:42,896,955, G>A. VCF-style: chr21-42896955-G-A. GRCh37 (hg19) VCF-style: chr21-44317065-G-A.
Other names: c.77G>A, p.Arg26Gln (NM_001001503.2); short protein forms R26Q.
Identifiers: ClinVar variation 3771275 (VCV003771275.13).
Genomic context (GRCh38, chr21:42,896,955, plus strand): 5'-TAAACATCCATATTCATTAATTCTTTTGTCAGACTATGCTCCAGGAAGCCCAGGTGTTTC[G>A]AGGACTTGCTTCTACGGTTTCTTTGTCTGCGGAATCAGGGAAGAGTGAAAAGGGTCAGCC-3'
Protein context (NP_066553.3, residues 16-36): KTMLQEAQVF[Arg26Gln]GLASTVSLSA

ClinVar aggregate classification (germline): Likely benign (1 of 4 stars; one submission).

gnomAD v4.1: 2,224 of 1,613,532 alleles (0.14%); highest among the groups gnomAD compares: Non-Finnish European, 0.17%; 5 homozygotes.

Submission:

CeGaT Center for Human Genetics Tuebingen
Classification: Likely benign. Last evaluated: 2025-02-01. Review status: criteria provided, single submitter. Criteria: CeGaT Center For Human Genetics Tuebingen Variant Classification Criteria Version 2. Collection method: clinical testing. Allele origin: germline. Affected: yes. Observed: 1 variant allele.
Comment: NDUFV3: BP4